The following is an entry in ClinVar:

NM_001182.5(ALDH7A1):c.1144C>T (p.Leu382Phe)

Gene: ALDH7A1 (aldehyde dehydrogenase 7 family member A1; minus strand). Cytogenetic location: 5q23.2.
Variant type: single nucleotide variant.
Coding change: c.1144C>T on transcript NM_001182.5 (MANE Select); coding-DNA position 1144, C replaced by T.
Protein change: p.Leu382Phe; replaces leucine 382 with phenylalanine.
Molecular consequence: missense variant. On other transcripts: intron variant (1).
Genome position (GRCh38, 1-based): chr5:126,554,343, G>A on the plus strand (C>T on the coding strand, the complement: ALDH7A1 is on the minus strand). VCF-style: chr5-126554343-G-A. GRCh37 (hg19) VCF-style: chr5-125890035-G-A.
Other names: c.1060C>T, p.Leu354Phe (NM_001201377.2); c.1009-2206C>T (NM_001202404.2); short protein forms L354F, L382F.
Identifiers: ClinVar variation 957376 (VCV000957376.41), dbSNP rs894016061, ClinGen allele CA360723851.

ClinVar aggregate classification (germline): Uncertain significance. Review status: criteria provided, multiple submitters, no conflicts (2 of 4 stars). 3 submissions from 3 submitters: Uncertain significance (3). Last evaluated 2023-04-11.

Conditions:
Pyridoxine-dependent epilepsy (EPEO4). Also called: Pyridoxine-Dependent Seizures; Pyridoxine-Dependent Epilepsy - ALDH7A1; EPILEPSY, EARLY-ONSET, 4, VITAMIN B6-DEPENDENT; PYRIDOXINE DEPENDENCY WITH SEIZURES. Identifiers: Orphanet 3006, MedGen C1849508, MONDO:0009945, OMIM 266100. Disease mechanism: loss of function.

Allele frequency attached by ClinVar (database versions not stated): gnomAD 0.00001; gnomAD exomes 0.00001; TOPMed 0.00001.
gnomAD v4.1: 11 of 1,613,984 alleles (0.00068%); highest among the groups gnomAD compares: Non-Finnish European, 0.00085%; no homozygotes.

Submissions (3):

Genome-Nilou Lab
Classification: Uncertain significance for Pyridoxine-dependent epilepsy. Last evaluated: 2023-04-11. Review status: criteria provided, single submitter. Criteria: ACMG Guidelines, 2015. Collection method: clinical testing. Allele origin: germline. Affected: no.

Labcorp Genetics (formerly Invitae), Labcorp
Classification: Uncertain significance for Pyridoxine-dependent epilepsy. Last evaluated: 2021-08-28. Review status: criteria provided, single submitter. Criteria: Invitae Variant Classification Sherloc (09022015). Collection method: clinical testing. Allele origin: germline.
Comment: This sequence change replaces leucine with phenylalanine at codon 382 of the ALDH7A1 protein (p.Leu382Phe). The leucine residue is highly conserved and there is a small physicochemical difference between leucine and phenylalanine. This variant is not present in population databases (ExAC no frequency). This variant has not been reported in the literature in individuals affected with ALDH7A1-related conditions. Algorithms developed to predict the effect of missense changes on protein structure and function (SIFT, PolyPhen-2, Align-GVGD) all suggest that this variant is likely to be tolerated. In summary, the available evidence is currently insufficient to determine the role of this variant in disease. Therefore, it has been classified as a Variant of Uncertain Significance.

CeGaT Center for Human Genetics Tuebingen
Classification: Uncertain significance. Last evaluated: 2021-02-01. Review status: criteria provided, single submitter. Criteria: CeGaT Center For Human Genetics Tuebingen Variant Classification Criteria Version 2. Collection method: clinical testing. Allele origin: germline. Affected: yes. Observed: 1 variant allele.